The following is an entry in ClinVar:

NM_005816.5(CD96):c.601A>G (p.Thr201Ala)

Gene: CD96 (CD96 molecule; plus strand). Cytogenetic location: 3q13.13.
Variant type: single nucleotide variant.
Coding change: c.601A>G on transcript NM_005816.5 (MANE Select); coding-DNA position 601, A replaced by G.
Protein change: p.Thr201Ala; replaces threonine 201 with alanine.
Molecular consequence: missense variant. On other transcripts: non-coding transcript variant (1).
Genome position (GRCh38, 1-based): chr3:111,579,084, A>G. VCF-style: chr3-111579084-A-G. GRCh37 (hg19) VCF-style: chr3-111297931-A-G.
Other names: c.601A>G, p.Thr201Ala (NM_001318889.2, NM_001410800.1); c.649A>G, p.Thr217Ala (NM_198196.3); short protein forms T201A, T217A.
Identifiers: ClinVar variation 4223104 (VCV004223104.2).
Genomic context (GRCh38, chr3:111,579,084, plus strand): 5'-CAGGAGGATAATGGAACTCAGGAAACACTTATCTCCCAAAATCACCTCATCAGCAATTCC[A>G]CATTACTTAAAGATAGAGTCAAGCTTGGTACAGACTACAGACTCCACCTCTCTCCAGTCC-3'
Protein context (NP_005807.1, residues 191-211): ISQNHLISNS[Thr201Ala]LLKDRVKLGT

ClinVar aggregate classification (germline): Uncertain significance. Review status: criteria provided, multiple submitters, no conflicts (2 of 4 stars). 2 submissions from 2 submitters: Uncertain significance (2). Last evaluated 2025-08-23.

gnomAD v4.1: 26 of 1,608,774 alleles (0.0016%); highest among the groups gnomAD compares: Admixed American, 0.01%; no homozygotes.

Submissions (2):

Ambry Genetics
Classification: Uncertain significance. Last evaluated: 2025-08-23. Review status: criteria provided, single submitter. Criteria: Ambry Variant Classification Scheme 2023. Collection method: clinical testing. Allele origin: germline.

Labcorp Genetics (formerly Invitae), Labcorp
Classification: Uncertain significance. Last evaluated: 2025-02-11. Review status: criteria provided, single submitter. Criteria: Invitae Variant Classification Sherloc (09022015). Collection method: clinical testing. Allele origin: germline.
Comment: This sequence change replaces threonine, which is neutral and polar, with alanine, which is neutral and non-polar, at codon 217 of the CD96 protein (p.Thr217Ala). This variant is present in population databases (rs374979445, gnomAD 0.01%). This variant has not been reported in the literature in individuals affected with CD96-related conditions. An algorithm developed to predict the effect of missense changes on protein structure and function outputs the following: PolyPhen-2: "Benign". The alanine amino acid residue is found in multiple mammalian species, which suggests that this missense change does not adversely affect protein function. In summary, the available evidence is currently insufficient to determine the role of this variant in disease. Therefore, it has been classified as a Variant of Uncertain Significance.